The following is an entry in ClinVar:

ClinVar aggregate classification (germline): Uncertain significance (1 of 4 stars; one submission).

Allele frequency attached by ClinVar (database versions not stated): gnomAD exomes below 0.00001 and 0.00001; gnomAD 0.00001.

Submission:

Labcorp Genetics (formerly Invitae), Labcorp
Classification: Uncertain significance. Last evaluated: 2022-09-07. Review status: criteria provided, single submitter. Criteria: Invitae Variant Classification Sherloc (09022015). Collection method: clinical testing. Allele origin: germline.
Comment: This variant has not been reported in the literature in individuals affected with COL9A3-related conditions. The frequency data for this variant in the population databases is considered unreliable, as metrics indicate poor data quality at this position in the gnomAD database. This sequence change replaces histidine, which is basic and polar, with arginine, which is basic and polar, at codon 383 of the COL9A3 protein (p.His383Arg). ClinVar contains an entry for this variant (Variation ID: 1464636). In summary, the available evidence is currently insufficient to determine the role of this variant in disease. Therefore, it has been classified as a Variant of Uncertain Significance. Advanced modeling of protein sequence and biophysical properties (such as structural, functional, and spatial information, amino acid conservation, physicochemical variation, residue mobility, and thermodynamic stability) performed at Invitae indicates that this missense variant is not expected to disrupt COL9A3 protein function.

NM_001853.4(COL9A3):c.1148A>G (p.His383Arg)

Gene: COL9A3 (collagen type IX alpha 3 chain; plus strand). Cytogenetic location: 20q13.33.
Variant type: single nucleotide variant.
Coding change: c.1148A>G on transcript NM_001853.4 (MANE Select); coding-DNA position 1148, A replaced by G.
Protein change: p.His383Arg; replaces histidine 383 with arginine.
Molecular consequence: missense variant.
Genome position (GRCh38, 1-based): chr20:62,829,806, A>G. VCF-style: chr20-62829806-A-G. GRCh37 (hg19) VCF-style: chr20-61461158-A-G.
Other names: short protein forms H383R.
Identifiers: ClinVar variation 1464636 (VCV001464636.6), dbSNP rs1490568787, ClinGen allele CA409593778.